The following is an entry in ClinVar:

NM_004933.3(CDH15):c.934C>T (p.Arg312Cys)

Gene: CDH15 (cadherin 15; plus strand). Cytogenetic location: 16q24.3.
Variant type: single nucleotide variant.
Coding change: c.934C>T on transcript NM_004933.3 (MANE Select); coding-DNA position 934, C replaced by T.
Protein change: p.Arg312Cys; replaces arginine 312 with cysteine.
Molecular consequence: missense variant.
Genome position (GRCh38, 1-based): chr16:89,188,241, C>T. VCF-style: chr16-89188241-C-T. GRCh37 (hg19) VCF-style: chr16-89254649-C-T.
Other names: c.934C>T (NM_004933.2); short protein forms R312C.
Identifiers: ClinVar variation 1049954 (VCV001049954.4), dbSNP rs201161996, ClinGen allele CA8239049.

ClinVar aggregate classification (germline): Uncertain significance. Review status: criteria provided, single submitter (1 of 4 stars). 2 submissions from 2 submitters: Uncertain significance (1). 1 of the submissions does not count toward it. Last evaluated 2021-08-10.

Allele frequency attached by ClinVar (database versions not stated): gnomAD 0.00002 and 0.00003; TOPMed 0.00002; ExAC 0.00012; 1000 Genomes Project 0.00040; 1000 Genomes Project 30x 0.00047.
gnomAD v4.1: 45 of 1,613,560 alleles (0.0028%); highest among the groups gnomAD compares: East Asian, 0.022%; no homozygotes.

Submissions (2):

Ambry Genetics
Classification: Uncertain significance. Last evaluated: 2021-08-10. Review status: criteria provided, single submitter. Criteria: Ambry Variant Classification Scheme 2023. Collection method: clinical testing. Allele origin: germline.

Department of Pathology and Laboratory Medicine, Sinai Health System
Classification: Uncertain significance. Review status: no assertion criteria provided. Collection method: clinical testing. Allele origin: unknown. Affected: yes. Study: The Canadian Open Genetics Repository (COGR). Not counted in ClinVar's aggregate classification.
Comment: The CDH15 p.Arg312Cys variant was not identified in the literature nor was it identified in the ClinVar, MutDB or LOVD 3.0 databases. The variant was identified in dbSNP (ID: rs201161996) and Cosmic (predicted neutral by FATHMM). The variant was identified in control databases in 22 of 280484 chromosomes at a frequency of 0.000078 (Genome Aggregation Database Feb 27, 2017). The variant was observed in the following populations: South Asian in 11 of 30558 chromosomes (freq: 0.00036), African in 4 of 24722 chromosomes (freq: 0.000162), Latino in 5 of 35334 chromosomes (freq: 0.000142), East Asian in 1 of 19910 chromosomes (freq: 0.00005) and European (non-Finnish) in 1 of 127770 chromosomes (freq: 0.000008), but was not observed in the Ashkenazi Jewish, European (Finnish), and Other populations. The p.Arg312 residue is not conserved in mammals and computational analyses (PolyPhen-2, SIFT, AlignGVGD, BLOSUM, and MutationTaster) provide inconsistent predictions regarding the impact to the protein; this information is not very predictive of pathogenicity. In summary, based on the above information the clinical significance of this variant cannot be determined with certainty at this time. This variant is classified as a variant of uncertain significance.